The following is an entry in ClinVar:

ClinVar aggregate classification (germline): Benign/Likely benign. Review status: criteria provided, multiple submitters, no conflicts (2 of 4 stars). 12 submissions from 12 submitters: Benign (8); Likely benign (2). 2 of the submissions do not count toward it. Last evaluated 2026-06-01.

Conditions:
Fanconi anemia (FA). Also called: Fanconi's anemia. Identifiers: Orphanet 84, MedGen C0015625, MeSH D005199, MONDO:0019391.
Fanconi anemia complementation group A (FANCA). Also called: Fanconi anemia, group A; FANCA-Related Fanconi Anemia. Identifiers: Orphanet 84, MedGen C3469521, MONDO:0009215, OMIM 227650.

Allele frequency attached by ClinVar (database versions not stated): ESP Exome Variant Server 0.01839; gnomAD 0.01851 and 0.01724; TOPMed 0.01886; 1000 Genomes Project 0.01897; 1000 Genomes Project 30x 0.02202; gnomAD exomes 0.00452; ExAC 0.00546.
gnomAD v4.1: 5,118 of 1,614,182 alleles (0.32%); highest among the groups gnomAD compares: African/African-American, 6.1%; 163 homozygotes.

Submissions (23):

CeGaT Center for Human Genetics Tuebingen
Classification: Benign. Last evaluated: 2026-06-01. Review status: criteria provided, single submitter. Criteria: CeGaT Center For Human Genetics Tuebingen Variant Classification Criteria Version 2. Collection method: clinical testing. Allele origin: germline. Affected: yes. Observed: 1 variant allele.
Comment: FANCA: BP4, BS1, BS2

Labcorp Genetics (formerly Invitae), Labcorp
Classification: Benign for Fanconi anemia. Last evaluated: 2026-02-02. Review status: criteria provided, single submitter. Criteria: Invitae Variant Classification Sherloc (09022015). Collection method: clinical testing. Allele origin: germline.

Quest Diagnostics Nichols Institute San Juan Capistrano
Classification: Benign. Last evaluated: 2025-04-11. Review status: criteria provided, single submitter. Criteria: Quest Diagnostics criteria. Collection method: clinical testing. Allele origin: unknown.

ARUP Laboratories, Molecular Genetics and Genomics, ARUP Laboratories
Classification: Benign for Fanconi anemia complementation group A. Last evaluated: 2024-12-20. Review status: criteria provided, single submitter. Criteria: ARUP Molecular Germline Variant Investigation Process 2024. Collection method: clinical testing. Allele origin: germline.

KCCC/NGS Laboratory, Kuwait Cancer Control Center
Classification: Benign for Fanconi anemia complementation group A. Last evaluated: 2023-07-07. Review status: criteria provided, single submitter. Criteria: ACMG Guidelines, 2015. Collection method: clinical testing. Allele origin: germline. Affected: yes.

Mayo Clinic Laboratories, Mayo Clinic
Classification: Benign. Last evaluated: 2021-05-06. Review status: criteria provided, single submitter. Criteria: ACMG Guidelines, 2015. Collection method: clinical testing. Allele origin: germline. Observed: 32 variant alleles.

GeneDx
Classification: Benign. Last evaluated: 2019-07-25. Review status: criteria provided, single submitter. Criteria: GeneDx Variant Classification Process June 2021. Collection method: clinical testing. Allele origin: germline. Affected: yes.

Illumina Laboratory Services, Illumina
Classification: Likely benign for Fanconi anemia complementation group A. Last evaluated: 2017-04-28. Review status: criteria provided, single submitter. Criteria: ICSL Variant Classification Criteria 13 December 2019. Collection method: clinical testing. Allele origin: germline.
Comment: This variant was observed as part of a predisposition screen in an ostensibly healthy population. A literature search was performed for the gene, cDNA change, and amino acid change (where applicable). Publications were found based on this search. The evidence from the literature, in combination with allele frequency data from public databases where available, was sufficient to determine this variant is unlikely to cause disease. Therefore, this variant is classified as likely benign.

Breakthrough Genomics
Classification: Likely benign. Review status: criteria provided, single submitter. Criteria: ACMG Guidelines, 2015. Collection method: not provided. Allele origin: germline. Inheritance: Autosomal recessive inheritance. Affected: yes.

PreventionGenetics, part of Exact Sciences
Classification: Benign. Review status: criteria provided, single submitter. Criteria: ACMG Guidelines, 2015. Collection method: clinical testing. Allele origin: germline.

Natera, Inc.
Classification: Benign for Fanconi anemia, group A. Last evaluated: 2020-09-16. Review status: no assertion criteria provided. Collection method: clinical testing. Allele origin: germline. Not counted in ClinVar's aggregate classification.

ITMI
No classification provided. Condition: AllHighlyPenetrant. Last evaluated: 2013-09-19. Review status: no classification provided. Collection method: reference population. Allele origin: germline. Not counted in ClinVar's aggregate classification.
Comment: Please see associated publication for description of ethnicities

Dr. Peter K. Rogan Lab, Western University
No classification provided (evidence only). Condition: Clear cell carcinoma of kidney. Review status: no classification provided. Collection method: in vitro. Allele origin: not applicable. Functional consequence: retained intron. Not counted in ClinVar's aggregate classification.

Dr. Peter K. Rogan Lab, Western University
No classification provided (evidence only). Condition: Lung cancer. Review status: no classification provided. Collection method: in vitro. Allele origin: not applicable. Functional consequence: skipped exon, retained intron. Not counted in ClinVar's aggregate classification.

Dr. Peter K. Rogan Lab, Western University
No classification provided (evidence only). Condition: Lung cancer. Review status: no classification provided. Collection method: in vitro. Allele origin: not applicable. Functional consequence: retained intron. Not counted in ClinVar's aggregate classification.

Dr. Peter K. Rogan Lab, Western University
No classification provided (evidence only). Condition: Melanoma. Review status: no classification provided. Collection method: in vitro. Allele origin: not applicable. Functional consequence: retained intron. Not counted in ClinVar's aggregate classification.

Dr. Peter K. Rogan Lab, Western University
No classification provided (evidence only). Condition: Acute myeloid leukemia. Review status: no classification provided. Collection method: in vitro. Allele origin: not applicable. Functional consequence: retained intron. Not counted in ClinVar's aggregate classification.

Dr. Peter K. Rogan Lab, Western University
No classification provided (evidence only). Condition: Acute myeloid leukemia. Review status: no classification provided. Collection method: in vitro. Allele origin: not applicable. Functional consequence: skipped exon, retained intron. Not counted in ClinVar's aggregate classification.

Dr. Peter K. Rogan Lab, Western University
No classification provided (evidence only). Condition: Colon adenocarcinoma. Review status: no classification provided. Collection method: in vitro. Allele origin: not applicable. Functional consequence: retained intron. Not counted in ClinVar's aggregate classification.

Dr. Peter K. Rogan Lab, Western University
No classification provided (evidence only). Condition: Uterine corpus endometrial carcinoma. Review status: no classification provided. Collection method: in vitro. Allele origin: not applicable. Functional consequence: retained intron. Not counted in ClinVar's aggregate classification.

Dr. Peter K. Rogan Lab, Western University
No classification provided (evidence only). Condition: Hepatocellular carcinoma. Review status: no classification provided. Collection method: in vitro. Allele origin: not applicable. Functional consequence: retained intron. Not counted in ClinVar's aggregate classification.

Dr. Peter K. Rogan Lab, Western University
No classification provided (evidence only). Condition: Hepatocellular carcinoma. Review status: no classification provided. Collection method: in vitro. Allele origin: not applicable. Functional consequence: retained intron. Not counted in ClinVar's aggregate classification.

Dr. Peter K. Rogan Lab, Western University
No classification provided (evidence only). Condition: Ovarian serous cystadenocarcinoma. Review status: no classification provided. Collection method: in vitro. Allele origin: not applicable. Functional consequence: retained intron. Not counted in ClinVar's aggregate classification.

Literature cited by the submitters: PubMed 23806870 (cited by Illumina Laboratory Services, Illumina); PubMed 15643609 (cited by Illumina Laboratory Services, Illumina); PubMed 2472832 (cited by Illumina Laboratory Services, Illumina); PubMed 9371798 (cited by Illumina Laboratory Services, Illumina); PubMed 24728327 (cited by ITMI).

NM_000135.4(FANCA):c.755A>G (p.Asp252Gly)

Gene: FANCA (FA complementation group A; minus strand). Cytogenetic location: 16q24.3.
Variant type: single nucleotide variant.
Coding change: c.755A>G on transcript NM_000135.4 (MANE Select); coding-DNA position 755, A replaced by G.
Protein change: p.Asp252Gly; replaces aspartic acid 252 with glycine.
Molecular consequence: missense variant.
Genome position (GRCh38, 1-based): chr16:89,803,296, T>C on the plus strand (A>G on the coding strand, the complement: FANCA is on the minus strand). VCF-style: chr16-89803296-T-C. GRCh37 (hg19) VCF-style: chr16-89869704-T-C.
Other names: c.755A>G (LRG_495t1, NM_000135.3); c.755A>G, p.Asp252Gly (NM_001018112.3, NM_001286167.3); c.659A>G, p.Asp220Gly (NM_001351830.2); short protein forms D252G, D220G.
Identifiers: ClinVar variation 134293 (VCV000134293.31), dbSNP rs17225943, ClinGen allele CA159379.
Genomic context (GRCh38, chr16:89,803,296, plus strand): 5'-CTTCACTTGACTTTTCCTCCTACCTGCGGCATTTTTTCAGGCTCCACAGTTCTTCTCAGA[T>C]CTGAGTTTTTCTGAAATCCCCTCAAAACAAACATTTGAACAAAATCTGAAAAACCATAAA-3'
Protein context (NP_000126.2, residues 242-262): FVLRGFQKNS[Asp252Gly]LRRTVEPEKM